The following is an entry in ClinVar:

ClinVar aggregate classification (germline): Uncertain significance (1 of 4 stars; one submission).

Submission:

Labcorp Genetics (formerly Invitae), Labcorp
Classification: Uncertain significance. Last evaluated: 2022-08-14. Review status: criteria provided, single submitter. Criteria: Invitae Variant Classification Sherloc (09022015). Collection method: clinical testing. Allele origin: germline.
Comment: This variant has not been reported in the literature in individuals affected with PEX3-related conditions. Algorithms developed to predict the effect of missense changes on protein structure and function (SIFT, PolyPhen-2, Align-GVGD) all suggest that this variant is likely to be disruptive. In summary, the available evidence is currently insufficient to determine the role of this variant in disease. Therefore, it has been classified as a Variant of Uncertain Significance. This variant is not present in population databases (gnomAD no frequency). This sequence change replaces serine, which is neutral and polar, with alanine, which is neutral and non-polar, at codon 201 of the PEX3 protein (p.Ser201Ala).

NM_003630.3(PEX3):c.601T>G (p.Ser201Ala)

Gene: PEX3 (peroxisomal biogenesis factor 3; plus strand). Cytogenetic location: 6q24.2.
Variant type: single nucleotide variant.
Coding change: c.601T>G on transcript NM_003630.3 (MANE Select); coding-DNA position 601, T replaced by G.
Protein change: p.Ser201Ala; replaces serine 201 with alanine.
Molecular consequence: missense variant.
Genome position (GRCh38, 1-based): chr6:143,472,182, T>G. VCF-style: chr6-143472182-T-G. GRCh37 (hg19) VCF-style: chr6-143793319-T-G.
Other names: short protein forms S201A.
Identifiers: ClinVar variation 1716451 (VCV001716451.5), dbSNP rs1202360414, ClinGen allele CA365912090.